The following is an entry in ClinVar:

NM_032119.4(ADGRV1):c.14234_14235delinsCC (p.Leu4745Pro)

Gene: ADGRV1 (adhesion G protein-coupled receptor V1; plus strand). Cytogenetic location: 5q14.3.
Variant type: Indel.
Coding change: c.14234_14235delinsCC on transcript NM_032119.4 (MANE Select); coding-DNA positions 14234 to 14235, TG replaced by CC.
Protein change: p.Leu4745Pro; replaces leucine 4745 with proline.
Molecular consequence: missense variant. On other transcripts: non-coding transcript variant (1).
Genome position (GRCh38, 1-based): chr5:90,791,063-90,791,064, TG replaced by CC. VCF-style: chr5-90791063-TG-CC. GRCh37 (hg19) VCF-style: chr5-90086880-TG-CC.
Other names: short protein forms L4745P.
Identifiers: ClinVar variation 1952418 (VCV001952418.2), dbSNP rs2532008802, ClinGen allele CA2580073759.
Genomic context (GRCh38, chr5:90,791,063, plus strand): 5'-AGATAGAGGAAGATTATGTGATCCAGCTTGTTTCTGTAGAGGGAGGAGCCGAACTGGATC[TG>CC]GAGAAGAGTATCACATGGTTCTCTGTTTATGCAAATGATGACCCACATGGAGTATTTGCC-3'
Protein context (NP_115495.3, residues 4735-4755): VSVEGGAELD[Leu4745Pro]EKSITWFSVY

ClinVar aggregate classification (germline): Uncertain significance (1 of 4 stars; one submission).

Submission:

Labcorp Genetics (formerly Invitae), Labcorp
Classification: Uncertain significance. Last evaluated: 2022-08-31. Review status: criteria provided, single submitter. Criteria: Invitae Variant Classification Sherloc (09022015). Collection method: clinical testing. Allele origin: germline.
Comment: This sequence change replaces leucine, which is neutral and non-polar, with proline, which is neutral and non-polar, at codon 4745 of the ADGRV1 protein (p.Leu4745Pro). This variant is present in population databases (no rsID available, gnomAD 0.1%). This variant has not been reported in the literature in individuals affected with ADGRV1-related conditions. Algorithms developed to predict the effect of missense changes on protein structure and function are either unavailable or do not agree on the potential impact of this missense change (SIFT: "Not Available"; PolyPhen-2: "Benign"; Align-GVGD: "Not Available"). In summary, the available evidence is currently insufficient to determine the role of this variant in disease. Therefore, it has been classified as a Variant of Uncertain Significance.